The following is an entry in ClinVar:

NM_021076.4(NEFH):c.1362T>C (p.Thr454=)

Gene: NEFH (neurofilament heavy chain; plus strand). Cytogenetic location: 22q12.2.
Variant type: single nucleotide variant.
Coding change: c.1362T>C on transcript NM_021076.4 (MANE Select); coding-DNA position 1362, T replaced by C.
Protein change: p.Thr454=; no amino-acid change (threonine 454 retained).
Molecular consequence: synonymous variant.
Genome position (GRCh38, 1-based): chr22:29,489,002, T>C. VCF-style: chr22-29489002-T-C. GRCh37 (hg19) VCF-style: chr22-29884991-T-C.
Identifiers: ClinVar variation 2653049 (VCV002653049.24), dbSNP rs2517976600, ClinGen allele CA514174118.

ClinVar aggregate classification (germline): Likely benign (1 of 4 stars; one submission).

Submission:

CeGaT Center for Human Genetics Tuebingen
Classification: Likely benign. Last evaluated: 2026-09-01. Review status: criteria provided, single submitter. Criteria: CeGaT Center For Human Genetics Tuebingen Variant Classification Criteria Version 2. Collection method: clinical testing. Allele origin: germline. Affected: yes. Observed: 2 variant alleles.
Comment: NEFH: BP4, BP7